The following is an entry in ClinVar:

ClinVar aggregate classification (germline): Uncertain significance (1 of 4 stars; one submission).

Conditions:
FAT3-related disorder. Also called: FAT3-related condition.

Allele frequency attached by ClinVar (database versions not stated): gnomAD exomes below 0.00001.
gnomAD v4.1: 1 of 1,590,360 alleles (0.000063%); highest among the groups gnomAD compares: Non-Finnish European, 0.000086%; no homozygotes.

Submission:

PreventionGenetics, part of Exact Sciences
Classification: Uncertain significance for FAT3-related condition. Last evaluated: 2023-07-27. Review status: criteria provided, single submitter. Criteria: ACMG Guidelines, 2015. Collection method: clinical testing. Allele origin: germline.
Comment: The FAT3 c.11956C>A variant is predicted to result in the amino acid substitution p.Leu3986Met. To our knowledge, this variant has not been reported in the literature or in a large population database, indicating this variant is rare. At this time, the clinical significance of this variant is uncertain due to the absence of conclusive functional and genetic evidence.

NM_001367949.2(FAT3):c.11956C>A (p.Leu3986Met)

Gene: FAT3 (FAT atypical cadherin 3; plus strand). Cytogenetic location: 11q14.3.
Variant type: single nucleotide variant.
Coding change: c.11956C>A on transcript NM_001367949.2 (MANE Select); coding-DNA position 11956, C replaced by A.
Protein change: p.Leu3986Met; replaces leucine 3986 with methionine.
Molecular consequence: missense variant.
Genome position (GRCh38, 1-based): chr11:92,867,038, C>A. VCF-style: chr11-92867038-C-A. GRCh37 (hg19) VCF-style: chr11-92600204-C-A.
Other names: c.11956C>A, p.Leu3986Met (NM_001008781.3); short protein forms L3986M.
Identifiers: ClinVar variation 2631499 (VCV002631499.1), dbSNP rs2136350883, ClinGen allele CA382340280.
Genomic context (GRCh38, chr11:92,867,038, plus strand): 5'-AACATCCGCAGCCTGACTGACACGCGGGTCACGCAGGTGCTCAGCGGCTTCCAGGGCTGC[C>A]TGGACTCGGTGATACTGAATAACAATGAGCTGCCGCTGCAGAACAAGCGCAGCAGCTTCG-3'
Protein context (NP_001354878.1, residues 3976-3996): TQVLSGFQGC[Leu3986Met]DSVILNNNEL